The following is an entry in ClinVar:

NM_173728.4(ARHGEF15):c.313C>T (p.Arg105Trp)

Gene: ARHGEF15 (Rho guanine nucleotide exchange factor 15; plus strand). Cytogenetic location: 17p13.1.
Variant type: single nucleotide variant.
Coding change: c.313C>T on transcript NM_173728.4 (MANE Select); coding-DNA position 313, C replaced by T.
Protein change: p.Arg105Trp; replaces arginine 105 with tryptophan.
Molecular consequence: missense variant.
Genome position (GRCh38, 1-based): chr17:8,312,352, C>T. VCF-style: chr17-8312352-C-T. GRCh37 (hg19) VCF-style: chr17-8215670-C-T.
Other names: c.313C>T (NM_173728.3); c.313C>T, p.Arg105Trp (NM_025014.2); short protein forms R105W.
Identifiers: ClinVar variation 1016071 (VCV001016071.11), dbSNP rs375648145, ClinGen allele CA8374826.

ClinVar aggregate classification (germline): Uncertain significance. Review status: criteria provided, multiple submitters, no conflicts (2 of 4 stars). 2 submissions from 2 submitters: Uncertain significance (2). Last evaluated 2024-03-02.

Conditions:
Early-infantile DEE. Also called: Ohtahara syndrome; Early infantile epileptic encephalopathy with suppression bursts; Early infantile epileptic encephalopathy. Identifiers: Orphanet 1934, MedGen C0393706, MONDO:0800491.

Allele frequency attached by ClinVar (database versions not stated): ExAC 0.00001; gnomAD 0.00002 and 0.00003; gnomAD exomes 0.00005; TOPMed 0.00005; ESP Exome Variant Server 0.00008.
gnomAD v4.1: 128 of 1,596,338 alleles (0.008%); highest among the groups gnomAD compares: Non-Finnish European, 0.0094%; no homozygotes.

Submissions (2):

Labcorp Genetics (formerly Invitae), Labcorp
Classification: Uncertain significance for Early-infantile DEE. Last evaluated: 2024-03-02. Review status: criteria provided, single submitter. Criteria: Invitae Variant Classification Sherloc (09022015). Collection method: clinical testing. Allele origin: germline.
Comment: This sequence change replaces arginine, which is basic and polar, with tryptophan, which is neutral and slightly polar, at codon 105 of the ARHGEF15 protein (p.Arg105Trp). This variant is present in population databases (rs375648145, gnomAD 0.01%). This variant has not been reported in the literature in individuals affected with ARHGEF15-related conditions. ClinVar contains an entry for this variant (Variation ID: 1016071). An algorithm developed to predict the effect of missense changes on protein structure and function (PolyPhen-2) suggests that this variant is likely to be disruptive. In summary, the available evidence is currently insufficient to determine the role of this variant in disease. Therefore, it has been classified as a Variant of Uncertain Significance.

Ambry Genetics
Classification: Uncertain significance. Last evaluated: 2023-03-28. Review status: criteria provided, single submitter. Criteria: Ambry Variant Classification Scheme 2023. Collection method: clinical testing. Allele origin: germline.